The following is an entry in ClinVar:

ClinVar aggregate classification (germline): Benign/Likely benign. Review status: criteria provided, multiple submitters, no conflicts (2 of 4 stars). 12 submissions from 11 submitters: Benign (8); Likely benign (2). 2 of the submissions do not count toward it. Last evaluated 2026-02-04.

Conditions:
Inborn genetic diseases. Identifiers: MedGen C0950123, MeSH D030342.
Autosomal recessive progressive external ophthalmoplegia. Identifiers: Orphanet 254886, MedGen C1850303, MONDO:0016810.
Hereditary spastic paraplegia. Also called: Familial spastic paraparesis. Identifiers: Orphanet 685, MedGen C0037773, MONDO:0019064. Disease mechanism: loss of function.
Progressive sclerosing poliodystrophy (MTDPS4A). Also called: Alpers-Huttenlocher Syndrome; Mitochondrial DNA Depletion Syndrome 4A; ALPERS PROGRESSIVE INFANTILE POLIODYSTROPHY; ALPERS DIFFUSE DEGENERATION OF CEREBRAL GRAY MATTER WITH HEPATIC CIRRHOSIS; Alpers Syndrome; Alpers-Huttenlocher Syndrome (AHS). Identifiers: Orphanet 726, MedGen C0205710, MONDO:0008758, OMIM 203700.

Submissions (12):

Labcorp Genetics (formerly Invitae), Labcorp
Classification: Benign for Progressive sclerosing poliodystrophy. Last evaluated: 2026-02-04. Review status: criteria provided, single submitter. Criteria: Invitae Variant Classification Sherloc (09022015). Collection method: clinical testing. Allele origin: germline.

Athena Diagnostics
Classification: Benign. Last evaluated: 2025-08-22. Review status: criteria provided, single submitter. Criteria: Athena Diagnostics Criteria. Collection method: clinical testing. Allele origin: unknown.
Comment: The frequency of this variant in the general population is higher than would generally be expected for pathogenic variants in this gene.

ARUP Laboratories, Molecular Genetics and Genomics, ARUP Laboratories
Classification: Benign. Last evaluated: 2025-03-06. Review status: criteria provided, single submitter. Criteria: ARUP Molecular Germline Variant Investigation Process 2024. Collection method: clinical testing. Allele origin: germline.

Laboratory of Genetics, Children's Clinical University Hospital Latvia
Classification: Benign. Last evaluated: 2025-02-16. Review status: criteria provided, single submitter. Criteria: ACMG Guidelines, 2015. Collection method: clinical testing. Allele origin: germline. Affected: yes.

Blueprint Genetics
Classification: Likely benign. Last evaluated: 2024-11-27. Review status: criteria provided, single submitter. Criteria: ACMG Guidelines, 2015. Collection method: clinical testing. Allele origin: germline.

Molecular Genetics, Royal Melbourne Hospital
Classification: Benign for Autosomal recessive progressive external ophthalmoplegia. Last evaluated: 2023-05-04. Review status: criteria provided, single submitter. Criteria: ACMG Guidelines, 2015. Collection method: clinical testing. Allele origin: germline. Affected: yes.
Comment: African/African American population allele frequency is 7.411% (rs41550117, 3143/41176 alleles, 127 homozygotes in gnomAD v2.1). Based on the classification scheme RMH Modified ACMG/AMP Guidelines v1.5.1, this variant is classified as BENIGN. Following criteria are met: BA1

Genome Diagnostics Laboratory, The Hospital for Sick Children
Classification: Benign for Hereditary spastic paraplegia. Last evaluated: 2021-12-21. Review status: criteria provided, single submitter. Criteria: ACMG Guidelines, 2015. Collection method: clinical testing. Allele origin: germline. Affected: yes.

Center for Pediatric Genomic Medicine, Children's Mercy Hospital and Clinics
Classification: Likely benign. Last evaluated: 2017-06-19. Review status: criteria provided, single submitter. Criteria: ACMG Guidelines, 2015. Collection method: clinical testing. Allele origin: germline.

Ambry Genetics
Classification: Benign for Inborn genetic diseases. Last evaluated: 2016-01-08. Review status: criteria provided, single submitter. Criteria: Ambry Variant Classification Scheme 2023. Collection method: clinical testing. Allele origin: germline.

GeneDx
Classification: Benign. Last evaluated: 2015-03-03. Review status: criteria provided, single submitter. Criteria: GeneDx Variant Classification Process June 2021. Collection method: clinical testing. Allele origin: germline. Affected: yes.

Mayo Clinic Laboratories, Mayo Clinic
Classification: Benign. Last evaluated: 2016-02-26. Review status: no assertion criteria provided. Collection method: clinical testing. Allele origin: unknown. Not counted in ClinVar's aggregate classification.

GeneDx
Classification: Benign. Last evaluated: 2014-12-23. Review status: flagged submission. Criteria: GeneDx Variant Classification (06012015). Collection method: clinical testing. Allele origin: germline. Affected: yes. Not counted in ClinVar's aggregate classification.
Comment: The variant is found in CHILD-EPI panel(s).
ClinVar note: Reason: This record appears to be redundant with a more recent record from the same submitter.
ClinVar note: Notes: SCV000242150 appears to be redundant with SCV001845649.

Literature cited by the submitters: PubMed 16392637 (cited by Athena Diagnostics); PubMed 10196696 (cited by Athena Diagnostics); PubMed 19043662 (cited by Athena Diagnostics); PubMed 15694274 (cited by Athena Diagnostics); PubMed 15851408 (cited by Athena Diagnostics).

NM_002693.3(POLG):c.126GCA[13] (p.Gln54_Gln55dup)

Genes: POLG (DNA polymerase gamma, catalytic subunit; minus strand), POLGARF (POLG alternative reading frame; minus strand). Cytogenetic location: 15q26.1.
Variant type: Microsatellite.
Coding change: c.126GCA[13] on transcript NM_002693.3 (MANE Select); 13 copies in a row of the 3-base unit GCA starting at c.126; the reference has 11 copies in a row; two copies, 6 bases duplicated.
Protein change: p.Gln54_Gln55dup.
Molecular consequence: inframe insertion.
Genome position (GRCh38, 1-based): chr15:89,333,597-89,333,602, TGCTGC duplicated on the plus strand (GCAGCA on the coding strand, the reverse complement: POLG is on the minus strand); duplicating any 6 consecutive bases within chr15:89,333,597-89,333,629 gives the same sequence; the position shown is the placement nearest the transcript's 3' end. VCF-style (leftmost placement, unchanged base first): chr15-89333596-T-TTGCTGC. GRCh37 (hg19) VCF-style: chr15-89876827-T-TTGCTGC.
Other names: c.153_158dupGCAGCA (NM_002693.2, NM_002693.3); c.126GCA[13], p.Gln54_Gln55dup (NM_001126131.2); c.151_156dup (NM_002693.2).
Identifiers: ClinVar variation 206484 (VCV000206484.38), dbSNP rs41550117, ClinGen allele CA316621.